The following is an entry in ClinVar:

NM_001352964.2(DENND1A):c.1302A>G (p.Ala434=)

Gene: DENND1A (DENN domain containing 1A; minus strand). Cytogenetic location: 9q33.3.
Variant type: single nucleotide variant.
Coding change: c.1302A>G on transcript NM_001352964.2 (MANE Select); coding-DNA position 1302, A replaced by G.
Protein change: p.Ala434=; no amino-acid change (alanine 434 retained).
Molecular consequence: synonymous variant. On other transcripts: non-coding transcript variant (1).
Genome position (GRCh38, 1-based): chr9:123,450,747, T>C on the plus strand (A>G on the coding strand, the complement: DENND1A is on the minus strand). VCF-style: chr9-123450747-T-C. GRCh37 (hg19) VCF-style: chr9-126213026-T-C.
Other names: c.1209A>G, p.Ala403= (NM_001400446.1); c.1206A>G, p.Ala402= (NM_001400449.1, NM_001352965.2, NM_001352967.2 and 1 more transcripts); c.1302A>G, p.Ala434= (NM_020946.2, NM_024820.3, NM_001393654.1); c.1212A>G, p.Ala404= (NM_001352966.2).
Identifiers: ClinVar variation 2659490 (VCV002659490.24), dbSNP rs141482045, ClinGen allele CA5233212.
Genomic context (GRCh38, chr9:123,450,747, plus strand): 5'-AAGTACCTTTTGCTTCAAGCGGTTTTTCACCTCTTTTATTCCCATTTTTGCATGATCTTT[T>C]GCCTGCATGAAAAATTAATTTAAGTTAAGATTCCCTTTCTGTTTCCAGCAGGGACTATGC-3'
Protein context (NP_001339893.1, residues 424-444): NPAMKTVYKF[Ala434=]KDHAKMGIKE

ClinVar aggregate classification (germline): Likely benign (1 of 4 stars; one submission).

Allele frequency attached by ClinVar (database versions not stated): 1000 Genomes Project 30x 0.00031; 1000 Genomes Project 0.00040; TOPMed 0.00058; ExAC 0.00071; ESP Exome Variant Server 0.00077; gnomAD 0.00081; gnomAD exomes 0.00100.
gnomAD v4.1: 1,556 of 1,610,782 alleles (0.097%); highest among the groups gnomAD compares: Non-Finnish European, 0.11%; 1 homozygote.

Submission:

CeGaT Center for Human Genetics Tuebingen
Classification: Likely benign. Last evaluated: 2023-08-01. Review status: criteria provided, single submitter. Criteria: CeGaT Center For Human Genetics Tuebingen Variant Classification Criteria Version 2. Collection method: clinical testing. Allele origin: germline. Affected: yes. Observed: 1 variant allele.
Comment: DENND1A: BP4